The following is an entry in ClinVar:

NM_001375524.1(TRRAP):c.5023C>A (p.Arg1675=)

Genes: TRRAP (transformation/transcription domain associated protein; plus strand), LOC126860121 (MED14-independent group 3 enhancer GRCh37_chr7:98547245-98548444; plus strand). Cytogenetic location: 7q22.1.
Variant type: single nucleotide variant.
Coding change: c.5023C>A on transcript NM_001375524.1 (MANE Select); coding-DNA position 5023, C replaced by A.
Protein change: p.Arg1675=; no amino-acid change (arginine 1675 retained).
Molecular consequence: synonymous variant.
Genome position (GRCh38, 1-based): chr7:98,949,729, C>A. VCF-style: chr7-98949729-C-A. GRCh37 (hg19) VCF-style: chr7-98547352-C-A.
Other names: c.5002C>A, p.Arg1668= (NM_001244580.2); c.4948C>A, p.Arg1650= (NM_003496.4); c.4948C>A (NM_003496.3).
Identifiers: ClinVar variation 2064922 (VCV002064922.9), dbSNP rs149035665, ClinGen allele CA4360452.

ClinVar aggregate classification (germline): Likely benign. Review status: criteria provided, multiple submitters, no conflicts (2 of 4 stars). 3 submissions from 3 submitters: Likely benign (3). Last evaluated 2026-07-13.

Conditions:
TRRAP-related disorder. Also called: TRRAP-related condition.

Allele frequency attached by ClinVar (database versions not stated): ExAC 0.00012; ESP Exome Variant Server 0.00015.
gnomAD v4.1: 360 of 1,613,868 alleles (0.022%); highest among the groups gnomAD compares: Non-Finnish European, 0.029%; no homozygotes.

Submissions (3):

PreventionGenetics, part of Exact Sciences
Classification: Likely benign for TRRAP-related condition. Last evaluated: 2026-07-13. Review status: criteria provided, single submitter. Criteria: ACMG Guidelines, 2015. Collection method: clinical testing. Allele origin: germline.
Comment: This variant is classified as likely benign based on ACMG/AMP sequence variant interpretation guidelines (Richards et al. 2015 PMID: 25741868, with internal and published modifications).

CeGaT Center for Human Genetics Tuebingen
Classification: Likely benign. Last evaluated: 2026-03-01. Review status: criteria provided, single submitter. Criteria: CeGaT Center For Human Genetics Tuebingen Variant Classification Criteria Version 2. Collection method: clinical testing. Allele origin: germline. Affected: yes. Observed: 1 variant allele.
Comment: TRRAP: BP4, BP7

Labcorp Genetics (formerly Invitae), Labcorp
Classification: Likely benign. Last evaluated: 2025-10-23. Review status: criteria provided, single submitter. Criteria: Invitae Variant Classification Sherloc (09022015). Collection method: clinical testing. Allele origin: germline.